The following is an entry in ClinVar:

NM_001378454.1(ALMS1):c.1594C>T (p.Gln532Ter)

Gene: ALMS1 (ALMS1 centrosome and basal body associated protein; plus strand). Cytogenetic location: 2p13.1.
Variant type: single nucleotide variant.
Coding change: c.1594C>T on transcript NM_001378454.1 (MANE Select); coding-DNA position 1594, C replaced by T.
Protein change: p.Gln532Ter; replaces glutamine 532 with a stop codon.
Molecular consequence: nonsense.
Genome position (GRCh38, 1-based): chr2:73,448,121, C>T. VCF-style: chr2-73448121-C-T. GRCh37 (hg19) VCF-style: chr2-73675248-C-T.
Other names: c.1597C>T, p.Gln533Ter (NM_015120.4); short protein forms Q533*, Q532*.
Identifiers: ClinVar variation 2700292 (VCV002700292.3), dbSNP rs2466091646, ClinGen allele CA347264862.

ClinVar aggregate classification (germline): Pathogenic (1 of 4 stars; one submission).

Conditions:
Alstrom syndrome (ALMS). Identifiers: Orphanet 64, MedGen C0268425, MONDO:0008763, OMIM 203800.

Submission:

Labcorp Genetics (formerly Invitae), Labcorp
Classification: Pathogenic for Alstrom syndrome. Last evaluated: 2023-12-01. Review status: criteria provided, single submitter. Criteria: Invitae Variant Classification Sherloc (09022015). Collection method: clinical testing. Allele origin: germline.
Comment: This sequence change creates a premature translational stop signal (p.Gln533*) in the ALMS1 gene. It is expected to result in an absent or disrupted protein product. Loss-of-function variants in ALMS1 are known to be pathogenic (PMID: 17594715). This variant is not present in population databases (gnomAD no frequency). This variant has not been reported in the literature in individuals affected with ALMS1-related conditions. For these reasons, this variant has been classified as Pathogenic.

Literature cited by the submitters: PubMed 17594715.